The following is an entry in ClinVar:

ClinVar aggregate classification (germline): Benign/Likely benign. Review status: criteria provided, multiple submitters, no conflicts (2 of 4 stars). 3 submissions from 3 submitters: Benign (1); Likely benign (1). 1 of the submissions does not count toward it. Last evaluated 2026-08-01.

Conditions:
SOX4-related disorder. Also called: SOX4-related condition.

Submissions (3):

CeGaT Center for Human Genetics Tuebingen
Classification: Benign. Last evaluated: 2026-08-01. Review status: criteria provided, single submitter. Criteria: CeGaT Center For Human Genetics Tuebingen Variant Classification Criteria Version 2. Collection method: clinical testing. Allele origin: germline. Affected: yes. Observed: 16 variant alleles.
Comment: SOX4: BS1, BS2

Blueprint Genetics
Classification: Likely benign. Last evaluated: 2024-11-11. Review status: criteria provided, single submitter. Criteria: ACMG Guidelines, 2015. Collection method: clinical testing. Allele origin: germline.

PreventionGenetics, part of Exact Sciences
Classification: Likely benign for SOX4-related condition. Last evaluated: 2020-05-18. Review status: no assertion criteria provided. Collection method: clinical testing. Allele origin: germline. Not counted in ClinVar's aggregate classification.
Comment: This variant is classified as likely benign based on ACMG/AMP sequence variant interpretation guidelines (Richards et al. 2015 PMID: 25741868, with internal and published modifications).

NM_003107.3(SOX4):c.496_507del (p.His166_Gly169del)

Gene: SOX4 (SRY-box transcription factor 4; plus strand). Cytogenetic location: 6p22.3.
Variant type: Deletion.
Coding change: c.496_507del on transcript NM_003107.3 (MANE Select); coding-DNA positions 496 to 507, 12 bases deleted (CATGGGGGCGGC).
Protein change: p.His166_Gly169del.
Molecular consequence: inframe deletion.
Genome position (GRCh38, 1-based): chr6:21,595,030-21,595,041, CATGGGGGCGGC deleted; deleting any 12 consecutive bases within chr6:21,595,021-21,595,041 gives the same sequence; the c. name uses the placement nearest the transcript's 3' end. VCF-style (leftmost placement, unchanged base first): chr6-21595020-CGGGGGCGGCCAT-C. GRCh37 (hg19) VCF-style: chr6-21595251-CGGGGGCGGCCAT-C.
Other names: c.496_507del12 (NM_003107.2).
Identifiers: ClinVar variation 2656267 (VCV002656267.26), dbSNP rs747523746, ClinGen allele CA3653599.